The following is an entry in ClinVar:

NM_000322.5(PRPH2):c.948G>A (p.Trp316Ter)

Gene: PRPH2 (peripherin 2; minus strand). Cytogenetic location: 6p21.1.
Variant type: single nucleotide variant.
Coding change: c.948G>A on transcript NM_000322.5 (MANE Select); coding-DNA position 948, G replaced by A.
Protein change: p.Trp316Ter; replaces tryptophan 316 with a stop codon.
Molecular consequence: nonsense.
Genome position (GRCh38, 1-based): chr6:42,698,388, C>T on the plus strand (G>A on the coding strand, the complement: PRPH2 is on the minus strand). VCF-style: chr6-42698388-C-T. GRCh37 (hg19) VCF-style: chr6-42666126-C-T.
Other names: short protein forms W316*.
Identifiers: ClinVar variation 493432 (VCV000493432.52), dbSNP rs1554268521, ClinGen allele CA364132977.

ClinVar aggregate classification (germline): Pathogenic/Likely pathogenic. Review status: criteria provided, multiple submitters, no conflicts (2 of 4 stars). 5 submissions from 5 submitters: Pathogenic (2); Likely pathogenic (2). 1 of the submissions does not count toward it. Last evaluated 2025-03-17.

Conditions:
PRPH2-related disorder. Also called: PRPH2-related condition; PRPH2-related disorders. Identifiers: MedGen CN239395.

Submissions (5):

Labcorp Genetics (formerly Invitae), Labcorp
Classification: Pathogenic for PRPH2-related disorder. Last evaluated: 2025-03-17. Review status: criteria provided, single submitter. Criteria: Invitae Variant Classification Sherloc (09022015). Collection method: clinical testing. Allele origin: germline.
Comment: This sequence change creates a premature translational stop signal (p.Trp316*) in the PRPH2 gene. While this is not anticipated to result in nonsense mediated decay, it is expected to disrupt the last 31 amino acid(s) of the PRPH2 protein. This variant is not present in population databases (gnomAD no frequency). This premature translational stop signal has been observed in individual(s) with adult vitelliform macular dystrophy (PMID: 9338584). ClinVar contains an entry for this variant (Variation ID: 493432). This variant disrupts a region of the PRPH2 protein in which other variant(s) (p.Val332Glu) have been determined to be pathogenic (PMID: 30718709, 32531846). This suggests that this is a clinically significant region of the protein, and that variants that disrupt it are likely to be disease-causing. For these reasons, this variant has been classified as Pathogenic.

Blueprint Genetics
Classification: Pathogenic for PRPH2-related disorders. Last evaluated: 2022-10-04. Review status: criteria provided, single submitter. Criteria: ACMG Guidelines, 2015. Collection method: clinical testing. Allele origin: germline. Affected: yes. Observed: 5 variant alleles.

Institute of Medical Genetics and Applied Genomics, University Hospital Tübingen
Classification: Likely pathogenic. Last evaluated: 2020-10-23. Review status: criteria provided, single submitter. Criteria: ACMG Guidelines, 2015. Collection method: clinical testing. Allele origin: germline. Inheritance: Autosomal dominant inheritance. Affected: yes.

CeGaT Center for Human Genetics Tuebingen
Classification: Likely pathogenic. Last evaluated: 2017-09-01. Review status: criteria provided, single submitter. Criteria: CeGaT Center For Human Genetics Tuebingen Variant Classification Criteria Version 2. Collection method: clinical testing. Allele origin: germline. Affected: yes. Observed: 1 variant allele.

Leiden Open Variation Database
Classification: Likely pathogenic. Last evaluated: 2020-05-28. Review status: no assertion criteria provided. Collection method: curation. Allele origin: germline. Affected: yes. Not counted in ClinVar's aggregate classification.
Comment: Curator: Global Variome, with Curator vacancy. Submitter to LOVD: IMGAG.

Literature cited by the submitters: PubMed 9338584 (cited by Labcorp Genetics (formerly Invitae), Labcorp); PubMed 30718709 (cited by Labcorp Genetics (formerly Invitae), Labcorp); PubMed 32531846 (cited by Labcorp Genetics (formerly Invitae), Labcorp).